The following is an entry in ClinVar:

ClinVar aggregate classification (germline): Likely benign (1 of 4 stars; one submission).

gnomAD v4.1: 4 of 1,612,002 alleles (0.00025%); highest among the groups gnomAD compares: Non-Finnish European, 0.00034%; no homozygotes.

Submission:

CeGaT Center for Human Genetics Tuebingen
Classification: Likely benign. Last evaluated: 2026-06-01. Review status: criteria provided, single submitter. Criteria: CeGaT Center For Human Genetics Tuebingen Variant Classification Criteria Version 2. Collection method: clinical testing. Allele origin: germline. Affected: yes. Observed: 2 variant alleles.
Comment: TTN: BP4, BP7

NM_001267550.2(TTN):c.11312-5146G>A

Gene: TTN (titin; minus strand). Cytogenetic location: 2q31.2.
Variant type: single nucleotide variant.
Coding change: c.11312-5146G>A on transcript NM_001267550.2 (MANE Select); 5146 bases into the intron before coding-DNA position 11312, G replaced by A.
Molecular consequence: intron variant. On other transcripts: synonymous variant (1).
Genome position (GRCh38, 1-based): chr2:178,747,067, C>T on the plus strand (G>A on the coding strand, the complement: TTN is on the minus strand). VCF-style: chr2-178747067-C-T. GRCh37 (hg19) VCF-style: chr2-179611794-C-T.
Other names: c.15333G>A, p.Gly5111= (NM_133379.5); c.10223-5146G>A (NM_003319.4); c.10799-5146G>A (NM_133437.4); c.10598-5146G>A (NM_133432.3); c.10360+6057G>A (NM_133378.4); c.10361-5146G>A (NM_001256850.1).
Identifiers: ClinVar variation 4820828 (VCV004820828.4).
Genomic context (GRCh38, chr2:178,747,067, plus strand): 5'-TTTAAAAGTACCAGTGGGGTTTGGTCCTCCAGTAGGAATAGAATATCTCTCTAGTGCCTC[C>T]CCTGGGGGTGTGGAATATCGCTCTAGAGTCTCTCCTGGGGGTGTGGAGTATCTCTCCAGA-3'